The following is an entry in ClinVar:

NM_007294.4(BRCA1):c.3782delinsATA (p.Leu1261fs)

Genes: BRCA1 (BRCA1 DNA repair associated; minus strand), LOC126862571 (BRD4-independent group 4 enhancer GRCh37_chr17:41243136-41244335; plus strand). Cytogenetic location: 17q21.31.
Variant type: Indel.
Coding change: c.3782delinsATA on transcript NM_007294.4 (MANE Select); coding-DNA position 3782, T replaced by ATA.
Protein change: p.Leu1261fs; shifts the reading frame from leucine 1261.
Molecular consequence: frameshift variant. On other transcripts: intron variant (135).
Genome position (GRCh38, 1-based): chr17:43,091,749, A replaced by TAT on the plus strand (T replaced by ATA on the coding strand, the reverse complement: BRCA1 is on the minus strand). VCF-style: chr17-43091749-A-TAT. GRCh37 (hg19) VCF-style: chr17-41243766-A-TAT.
Other names: c.3641delinsATA, p.Leu1214fs (NM_001407852.1, NM_001407692.1, NM_001407694.1 and 29 more transcripts); c.3569delinsATA, p.Leu1190fs (NM_001407853.1, NM_001407894.1, NM_001407895.1 and 9 more transcripts); c.3782delinsATA, p.Leu1261fs (NM_001407854.1, NM_001407858.1, NM_001407859.1 and 30 more transcripts); c.3779delinsATA, p.Leu1260fs (NM_001407860.1, NM_001407861.1, NM_001407587.1 and 22 more transcripts); c.3581delinsATA, p.Leu1194fs (NM_001407862.1); c.3659delinsATA, p.Leu1220fs (NM_001407863.1, NM_001407677.1, NM_001407678.1 and 19 more transcripts); c.785-717delinsATA (NM_001408473.1, NM_001408399.1, NM_001407984.1 and 13 more transcripts); c.665-717delinsATA (NM_001408443.1, NM_001408439.1, NM_001408425.1 and 12 more transcripts); and 41 more; short protein forms L1193fs, L1150fs, L1173fs, L1214fs, L1258fs, L1134fs, L1149fs, L1190fs.
Identifiers: ClinVar variation 3148667 (VCV003148667.1), dbSNP rs2552137089, ClinGen allele CA2825002479.

ClinVar aggregate classification (germline): Pathogenic (1 of 4 stars; one submission).

Conditions:
Breast-ovarian cancer, familial, susceptibility to, 1 (BROVCA1). Also called: BRCA1 Hereditary Breast and Ovarian Cancer; OVARIAN CANCER, SUSCEPTIBILITY TO. Identifiers: Orphanet 145, MedGen C2676676, MONDO:0011450, OMIM 604370. Disease mechanism: loss of function.

Submission:

Myriad Genetics, Inc.
Classification: Pathogenic for Breast-ovarian cancer, familial, susceptibility to, 1. Last evaluated: 2024-01-08. Review status: criteria provided, single submitter. Criteria: Myriad Autosomal Dominant, Autosomal Recessive and X-Linked Classification Criteria (2023). Collection method: clinical testing. Allele origin: unknown.
Comment: This variant is considered pathogenic. This variant creates a frameshift predicted to result in premature protein truncation.